The following is an entry in ClinVar:

ClinVar aggregate classification (germline): Likely pathogenic (1 of 4 stars; one submission).

Conditions:
Familial thoracic aortic aneurysm and aortic dissection (TAAD). Also called: Thoracic aortic aneurysms and dissections. Identifiers: Orphanet 91387, MedGen C4707243, MONDO:0019625.
Marfan syndrome (MFS). Also called: Marfan syndrome type 1; Marfan syndrome, classic; Marfan's syndrome; FBN1-Related Marfan Syndrome; MARFAN SYNDROME, TYPE I. Identifiers: Orphanet 284963, Orphanet 558, MedGen C0024796, MONDO:0007947, OMIM 154700.

Submission:

Labcorp Genetics (formerly Invitae), Labcorp
Classification: Likely pathogenic for Marfan syndrome; Familial thoracic aortic aneurysm and aortic dissection. Last evaluated: 2022-09-12. Review status: criteria provided, single submitter. Criteria: Invitae Variant Classification Sherloc (09022015). Collection method: clinical testing. Allele origin: germline.
Comment: In summary, the currently available evidence indicates that the variant is pathogenic, but additional data are needed to prove that conclusively. Therefore, this variant has been classified as Likely Pathogenic. This variant disrupts the p.Gly753 amino acid residue in FBN1. Other variant(s) that disrupt this residue have been determined to be pathogenic (PMID: 26787436, 29357934). This suggests that this residue is clinically significant, and that variants that disrupt this residue are likely to be disease-causing. Advanced modeling of protein sequence and biophysical properties (such as structural, functional, and spatial information, amino acid conservation, physicochemical variation, residue mobility, and thermodynamic stability) performed at Invitae indicates that this missense variant is expected to disrupt FBN1 protein function. ClinVar contains an entry for this variant (Variation ID: 527163). This missense change has been observed in individual(s) with clinical features of Marfan syndrome (Invitae). This variant is not present in population databases (gnomAD no frequency). This sequence change replaces glycine, which is neutral and non-polar, with glutamic acid, which is acidic and polar, at codon 753 of the FBN1 protein (p.Gly753Glu).

Literature cited by the submitters: PubMed 26787436; PubMed 29357934.

NM_000138.5(FBN1):c.2258G>A (p.Gly753Glu)

Gene: FBN1 (fibrillin 1; minus strand). Cytogenetic location: 15q21.1.
Variant type: single nucleotide variant.
Coding change: c.2258G>A on transcript NM_000138.5 (MANE Select); coding-DNA position 2258, G replaced by A.
Protein change: p.Gly753Glu; replaces glycine 753 with glutamic acid.
Molecular consequence: missense variant.
Genome position (GRCh38, 1-based): chr15:48,497,301, C>T on the plus strand (G>A on the coding strand, the complement: FBN1 is on the minus strand). VCF-style: chr15-48497301-C-T. GRCh37 (hg19) VCF-style: chr15-48789498-C-T.
Other names: short protein forms G753E.
Identifiers: ClinVar variation 527163 (VCV000527163.9), dbSNP rs1555399365, ClinGen allele CA392335654.